The following is an entry in ClinVar:

NM_004431.5(EPHA2):c.606C>T (p.Pro202=)

Gene: EPHA2 (EPH receptor A2; minus strand). Cytogenetic location: 1p36.13.
Variant type: single nucleotide variant.
Coding change: c.606C>T on transcript NM_004431.5 (MANE Select); coding-DNA position 606, C replaced by T.
Protein change: p.Pro202=; no amino-acid change (proline 202 retained).
Molecular consequence: synonymous variant.
Genome position (GRCh38, 1-based): chr1:16,148,595, G>A on the plus strand (C>T on the coding strand, the complement: EPHA2 is on the minus strand). VCF-style: chr1-16148595-G-A. GRCh37 (hg19) VCF-style: chr1-16475090-G-A.
Other names: c.444C>T, p.Pro148= (NM_001329090.2).
Identifiers: ClinVar variation 293443 (VCV000293443.11), dbSNP rs201175373, ClinGen allele CA625474.

ClinVar aggregate classification (germline): Benign/Likely benign. Review status: criteria provided, multiple submitters, no conflicts (2 of 4 stars). 2 submissions from 2 submitters: Benign (1); Likely benign (1). Last evaluated 2018-01-13.

Conditions:
Cataract 6 multiple types. Also called: CATARACT 6, POSTERIOR POLAR; CATARACT 6, CONGENITAL TOTAL; CATARACT, AGE-RELATED CORTICAL, 2. Identifiers: Orphanet 91492, MedGen C1861825, MONDO:0007288, OMIM 116600.

Allele frequency attached by ClinVar (database versions not stated): TOPMed 0.00004; gnomAD 0.00006 and 0.00011; gnomAD exomes 0.00006; ExAC 0.00007; ESP Exome Variant Server 0.00008; 1000 Genomes Project 30x 0.00016; 1000 Genomes Project 0.00020.
gnomAD v4.1: 259 of 1,610,220 alleles (0.016%); highest among the groups gnomAD compares: East Asian, 0.53%; 1 homozygote.

Submissions (2):

Illumina Laboratory Services, Illumina
Classification: Benign for Cataract 6 multiple types. Last evaluated: 2018-01-13. Review status: criteria provided, single submitter. Criteria: ICSL Variant Classification Criteria 13 December 2019. Collection method: clinical testing. Allele origin: germline.
Comment: This variant was observed in the ICSL laboratory as part of a predisposition screen in an ostensibly healthy population. It had not been previously curated by ICSL or reported in the Human Gene Mutation Database (HGMD: prior to June 1st, 2018), and was therefore a candidate for classification through an automated scoring system. Utilizing variant allele frequency, disease prevalence and penetrance estimates, and inheritance mode, an automated score was calculated to assess if this variant is too frequent to cause the disease. Based on the score and internal cut-off values, a variant classified as benign is not then subjected to further curation. The score for this variant resulted in a classification of benign for this disease.

Labcorp Genetics (formerly Invitae), Labcorp
Classification: Likely benign for Cataract 6 multiple types. Last evaluated: 2017-01-20. Review status: criteria provided, single submitter. Criteria: Invitae Variant Classification Sherloc (09022015). Collection method: clinical testing. Allele origin: germline.